The following is an entry in ClinVar:

NM_000166.6(GJB1):c.521C>T (p.Pro174Leu)

Gene: GJB1 (gap junction protein beta 1; plus strand). Cytogenetic location: Xq13.1.
Variant type: single nucleotide variant.
Coding change: c.521C>T on transcript NM_000166.6 (MANE Select); coding-DNA position 521, C replaced by T.
Protein change: p.Pro174Leu; replaces proline 174 with leucine.
Molecular consequence: missense variant.
Genome position (GRCh38, 1-based): chrX:71,224,228, C>T. VCF-style: chrX-71224228-C-T. GRCh37 (hg19) VCF-style: chrX-70444078-C-T.
Other names: c.521C>T, p.Pro174Leu (NM_001097642.3); short protein forms P174L.
Identifiers: ClinVar variation 637224 (VCV000637224.2), dbSNP rs1602349540, ClinGen allele CA413502952.
Genomic context (GRCh38, chrX:71,224,228, plus strand): 5'-ATCTGCTCTACCCTGGCTATGCCATGGTGCGGCTGGTCAAGTGCGACGTCTACCCCTGCC[C>T]CAACACAGTGGACTGCTTCGTGTCCCGCCCCACCGAGAAAACCGTCTTCACCGTCTTCAT-3'
Protein context (NP_000157.1, residues 164-184): RLVKCDVYPC[Pro174Leu]NTVDCFVSRP

ClinVar aggregate classification (germline): Likely pathogenic. Review status: criteria provided, single submitter (1 of 4 stars). 2 submissions from 2 submitters: Likely pathogenic (1). 1 of the submissions does not count toward it. Last evaluated 2026-09-01.

Conditions:
Charcot-Marie-Tooth disease. Also called: Charcot-Marie-Tooth Neuropathy; Charcot-Marie-Tooth Hereditary Neuropathy. Identifiers: Orphanet 166, MedGen C0007959, MONDO:0015626.

Submissions (2):

CeGaT Center for Human Genetics Tuebingen
Classification: Likely pathogenic. Last evaluated: 2026-09-01. Review status: criteria provided, single submitter. Criteria: CeGaT Center For Human Genetics Tuebingen Variant Classification Criteria Version 2. Collection method: clinical testing. Allele origin: germline. Affected: yes. Observed: 1 variant allele.
Comment: GJB1: PM1, PM2, PS4:Moderate, PM5:Supporting

Inherited Neuropathy Consortium
Classification: Uncertain significance for Charcot-Marie-Tooth disease. Review status: no assertion criteria provided. Collection method: literature only. Allele origin: germline. Affected: yes. Not counted in ClinVar's aggregate classification.

Literature cited by the submitters: PubMed 23649551 (cited by Inherited Neuropathy Consortium).